The following is an entry in ClinVar:

ClinVar aggregate classification (germline): Likely pathogenic (1 of 4 stars; one submission).

Conditions:
Dilated cardiomyopathy 1G (CMD1G). Identifiers: Orphanet 154, MedGen C1858763, MONDO:0011400, OMIM 604145.
Autosomal recessive limb-girdle muscular dystrophy type 2J (LGMDR10). Also called: Limb-girdle muscular dystrophy, type 2J; MUSCULAR DYSTROPHY, LIMB-GIRDLE, AUTOSOMAL RECESSIVE 10. Identifiers: Orphanet 140922, MedGen C1837342, MONDO:0012127, OMIM 608807.

Submission:

Labcorp Genetics (formerly Invitae), Labcorp
Classification: Likely pathogenic for Dilated cardiomyopathy 1G; Autosomal recessive limb-girdle muscular dystrophy type 2J. Last evaluated: 2022-03-12. Review status: criteria provided, single submitter. Criteria: Invitae Variant Classification Sherloc (09022015). Collection method: clinical testing. Allele origin: germline.
Comment: This sequence change creates a premature translational stop signal (p.Ser29895*) in the TTN gene. While this is not anticipated to result in nonsense mediated decay, it is expected to create a truncated TTN protein. This variant is not present in population databases (gnomAD no frequency). This variant has not been reported in the literature in individuals affected with TTN-related conditions. This variant is located in the A band of TTN (PMID: 25589632). Truncating variants in this region are significantly overrepresented in patients affected with dilated cardiomyopathy (PMID: 25589632). Truncating variants in this region have also been reported in individuals affected with autosomal recessive centronuclear myopathy (PMID: 23975875). In summary, the currently available evidence indicates that the variant is pathogenic, but additional data are needed to prove that conclusively. Therefore, this variant has been classified as Likely Pathogenic.

Literature cited by the submitters: PubMed 25589632; PubMed 23975875.

NM_001267550.2(TTN):c.89684C>G (p.Ser29895Ter)

Genes: TTN-AS1 (TTN antisense RNA 1; plus strand), TTN (titin; minus strand). Cytogenetic location: 2q31.2.
Variant type: single nucleotide variant.
Coding change: c.89684C>G on transcript NM_001267550.2 (MANE Select); coding-DNA position 89684, C replaced by G.
Protein change: p.Ser29895Ter; replaces serine 29895 with a stop codon.
Molecular consequence: nonsense.
Genome position (GRCh38, 1-based): chr2:178,553,216, G>C on the plus strand (C>G on the coding strand, the complement: TTN is on the minus strand). VCF-style: chr2-178553216-G-C. GRCh37 (hg19) VCF-style: chr2-179417943-G-C.
Other names: c.84761C>G, p.Ser28254Ter (NM_001256850.1); c.62489C>G, p.Ser20830Ter (NM_003319.4); c.81980C>G, p.Ser27327Ter (NM_133378.4); c.62864C>G, p.Ser20955Ter (NM_133432.3); c.63065C>G, p.Ser21022Ter (NM_133437.4); short protein forms S27327*, S20830*, S21022*, S29895*, S20955*, S28254*.
Identifiers: ClinVar variation 2109956 (VCV002109956.4), dbSNP rs2469317919, ClinGen allele CA349516876.